The following is an entry in ClinVar:

ClinVar aggregate classification (germline): Benign/Likely benign. Review status: criteria provided, multiple submitters, no conflicts (2 of 4 stars). 3 submissions from 3 submitters: Benign (1); Likely benign (2). Last evaluated 2026-08-04.

Conditions:
GNB3-related condition.

Allele frequency attached by ClinVar (database versions not stated): ESP Exome Variant Server 0.00023; ExAC 0.00025; TOPMed 0.00028; gnomAD 0.00021 and 0.00026; 1000 Genomes Project 30x 0.00031; gnomAD exomes 0.00020; 1000 Genomes Project 0.00040.
gnomAD v4.1: 351 of 1,613,408 alleles (0.022%); highest among the groups gnomAD compares: East Asian, 0.45%; no homozygotes.

Submissions (3):

PreventionGenetics, part of Exact Sciences
Classification: Likely benign for GNB3-related condition. Last evaluated: 2026-08-04. Review status: criteria provided, single submitter. Criteria: ACMG Guidelines, 2015. Collection method: clinical testing. Allele origin: germline.
Comment: This variant is classified as likely benign based on ACMG/AMP sequence variant interpretation guidelines (Richards et al. 2015 PMID: 25741868, with internal and published modifications).

Labcorp Genetics (formerly Invitae), Labcorp
Classification: Benign. Last evaluated: 2026-01-13. Review status: criteria provided, single submitter. Criteria: Invitae Variant Classification Sherloc (09022015). Collection method: clinical testing. Allele origin: germline.

Blueprint Genetics
Classification: Likely benign. Last evaluated: 2024-11-19. Review status: criteria provided, single submitter. Criteria: ACMG Guidelines, 2015. Collection method: clinical testing. Allele origin: germline.

NM_002075.4(GNB3):c.741C>T (p.Asp247=)

Genes: CDCA3 (cell division cycle associated 3; minus strand), GNB3 (G protein subunit beta 3; plus strand). Cytogenetic location: 12p13.31.
Variant type: single nucleotide variant.
Coding change: c.741C>T on transcript NM_002075.4 (MANE Select); coding-DNA position 741, C replaced by T.
Protein change: p.Asp247=; no amino-acid change (aspartic acid 247 retained).
Molecular consequence: synonymous variant. On other transcripts: 3 prime UTR variant (1).
Genome position (GRCh38, 1-based): chr12:6,845,627, C>T. VCF-style: chr12-6845627-C-T. GRCh37 (hg19) VCF-style: chr12-6954791-C-T.
Other names: c.738C>T, p.Asp246= (NM_001297571.2); c.*1161G>A (NM_001297603.3).
Identifiers: ClinVar variation 1167942 (VCV001167942.11), dbSNP rs13306410, ClinGen allele CA6417656.